The following is an entry in ClinVar:

ClinVar aggregate classification (germline): Likely benign. Review status: criteria provided, multiple submitters, no conflicts (2 of 4 stars). 2 submissions from 2 submitters: Likely benign (2). Last evaluated 2025-12-23.

Conditions:
Supravalvar aortic stenosis (SVAS). Also called: Supravalvar aortic stenosis, Eisenberg type. Identifiers: Orphanet 3193, MedGen C0003499, MONDO:0008504, OMIM 185500, HP:0004381.

Allele frequency attached by ClinVar (database versions not stated): TOPMed 0.00001; gnomAD 0.00003; ESP Exome Variant Server 0.00015.
gnomAD v4.1: 54 of 1,613,930 alleles (0.0033%); highest among the groups gnomAD compares: Non-Finnish European, 0.0044%; no homozygotes.

Submissions (2):

Labcorp Genetics (formerly Invitae), Labcorp
Classification: Likely benign for Supravalvar aortic stenosis. Last evaluated: 2025-12-23. Review status: criteria provided, single submitter. Criteria: Invitae Variant Classification Sherloc (09022015). Collection method: clinical testing. Allele origin: germline.

GeneDx
Classification: Likely benign. Last evaluated: 2017-07-26. Review status: criteria provided, single submitter. Criteria: GeneDx Variant Classification (06012015). Collection method: clinical testing. Allele origin: germline. Affected: yes.
Comment: This variant is considered likely benign or benign based on one or more of the following criteria: it is a conservative change, it occurs at a poorly conserved position in the protein, it is predicted to be benign by multiple in silico algorithms, and/or has population frequency not consistent with disease.

NM_000501.4(ELN):c.134-6C>A

Gene: ELN (elastin; plus strand). Cytogenetic location: 7q11.23.
Variant type: single nucleotide variant.
Coding change: c.134-6C>A on transcript NM_000501.4 (MANE Select); 6 bases into the intron before coding-DNA position 134, C replaced by A.
Molecular consequence: intron variant.
Genome position (GRCh38, 1-based): chr7:74,036,549, C>A. VCF-style: chr7-74036549-C-A. GRCh37 (hg19) VCF-style: chr7-73450879-C-A.
Other names: c.134-6C>A (NM_001081754.3, NM_001081753.3, NM_001278939.2 and 5 more transcripts); c.133+1135C>A (NM_001278914.2, NM_001278917.2, NM_001081752.3 and 1 more transcripts).
Identifiers: ClinVar variation 510986 (VCV000510986.6), dbSNP rs368904789, ClinGen allele CA4292314.
Genomic context (GRCh38, chr7:74,036,549, plus strand): 5'-GGGTGGCAGCGGGCTTGCCTGGCAGAAGTACCGATGATCTCTCTTTCTCTTTCTCTCCCC[C>A]CACAGGGGCTGGTCTCGGAGCCCTTGGAGGAGGAGGTGAGCTCAGAAACCACACTTGTTC-3'